The following is an entry in ClinVar:

ClinVar aggregate classification (germline): Uncertain significance (1 of 4 stars; one submission).

Conditions:
Supravalvar aortic stenosis (SVAS). Also called: Supravalvar aortic stenosis, Eisenberg type. Identifiers: Orphanet 3193, MedGen C0003499, MONDO:0008504, OMIM 185500, HP:0004381.

Submission:

Labcorp Genetics (formerly Invitae), Labcorp
Classification: Uncertain significance for Supravalvar aortic stenosis. Last evaluated: 2024-02-05. Review status: criteria provided, single submitter. Criteria: Invitae Variant Classification Sherloc (09022015). Collection method: clinical testing. Allele origin: germline.
Comment: This variant, c.1034_1087dup, results in the insertion of 18 amino acid(s) of the ELN protein (p.Gly345_Ala362dup), but otherwise preserves the integrity of the reading frame. This variant is not present in population databases (gnomAD no frequency). This variant has not been reported in the literature in individuals affected with ELN-related conditions. Experimental studies and prediction algorithms are not available or were not evaluated, and the functional significance of this variant is currently unknown. In summary, the available evidence is currently insufficient to determine the role of this variant in disease. Therefore, it has been classified as a Variant of Uncertain Significance.

NM_000501.4(ELN):c.1034_1087dup (p.Ala362_Ala363insGlyValProGlyAlaGlyIleProValValProGlyAlaGlyIleProGlyAla)

Gene: ELN (elastin; plus strand). Cytogenetic location: 7q11.23.
Variant type: Duplication.
Coding change: c.1034_1087dup on transcript NM_000501.4 (MANE Select); coding-DNA positions 1034 to 1087, 54 bases duplicated.
Protein change: p.Ala362_Ala363insGlyValProGlyAlaGlyIleProValValProGlyAlaGlyIleProGlyAla.
Molecular consequence: inframe insertion.
Genome position (GRCh38, 1-based): chr7:74,053,247-74,053,300, 54 bases duplicated. GRCh37 (hg19): chr7:73,467,577-73,467,630.
Other names: c.1004_1057dup, p.Ala352_Ala353insGlyValProGlyAlaGlyIleProValValProGlyAlaGlyIleProGlyAla (NM_001081752.3, NM_001278917.2); c.1049_1102dup, p.Ala367_Ala368insGlyValProGlyAlaGlyIleProValValProGlyAlaGlyIleProGlyAla (NM_001081753.3, NM_001081754.3); c.1034_1087dup, p.Ala362_Ala363insGlyValProGlyAlaGlyIleProValValProGlyAlaGlyIleProGlyAla (NM_001081755.3, NM_001278912.2, NM_001278915.2 and 1 more transcripts); c.926_979dup, p.Ala326_Ala327insGlyValProGlyAlaGlyIleProValValProGlyAlaGlyIleProGlyAla (NM_001278913.2); c.1019_1072dup, p.Ala357_Ala358insGlyValProGlyAlaGlyIleProValValProGlyAlaGlyIleProGlyAla (NM_001278914.2); c.992_1045dup, p.Ala348_Ala349insGlyValProGlyAlaGlyIleProValValProGlyAlaGlyIleProGlyAla (NM_001278916.2); c.902_955dup, p.Ala318_Ala319insGlyValProGlyAlaGlyIleProValValProGlyAlaGlyIleProGlyAla (NM_001278918.2).
Identifiers: ClinVar variation 2894197 (VCV002894197.3), dbSNP rs1794495551, ClinGen allele CA1103086298.